The following is an entry in ClinVar:

NM_004006.3(DMD):c.3922-29_4003dup

Gene: DMD (dystrophin; minus strand). Cytogenetic location: Xp21.1.
Variant type: Duplication.
Coding change: c.3922-29_4003dup on transcript NM_004006.3 (MANE Select); 29 bases into the intron before coding-DNA position 3922 through coding-DNA position 4003, 111 bases duplicated.
Molecular consequence: splice acceptor variant.
Genome position (GRCh38, 1-based): chrX:32,438,309-32,438,419, 111 bases duplicated. GRCh37 (hg19): chrX:32,456,430-32,456,540.
Other names: c.3898-29_3979dup (NM_000109.4); c.3910-29_3991dup (NM_004009.3); c.3553-29_3634dup (NM_004010.3).
Identifiers: ClinVar variation 3726608 (VCV003726608.2).

ClinVar aggregate classification (germline): Uncertain significance (1 of 4 stars; one submission).

Conditions:
Duchenne muscular dystrophy (DMD). Also called: Duchenne Muscular Dystrophy (DMD); MUSCULAR DYSTROPHY, PSEUDOHYPERTROPHIC PROGRESSIVE, DUCHENNE TYPE. Identifiers: Orphanet 98896, MedGen C0013264, MONDO:0010679, OMIM 310200.

Submission:

Labcorp Genetics (formerly Invitae), Labcorp
Classification: Uncertain significance for Duchenne muscular dystrophy. Last evaluated: 2024-12-04. Review status: criteria provided, single submitter. Criteria: Invitae Variant Classification Sherloc (09022015). Collection method: clinical testing. Allele origin: germline.
Comment: This sequence change falls in intron 28 of the DMD gene. It does not directly change the encoded amino acid sequence of the DMD protein. This variant is not present in population databases (gnomAD no frequency). This variant has not been reported in the literature in individuals affected with DMD-related conditions. This variant is also known as p.Gly1334_Val1335ins37. In summary, the available evidence is currently insufficient to determine the role of this variant in disease. Therefore, it has been classified as a Variant of Uncertain Significance.